The following is an entry in ClinVar:

NM_005633.4(SOS1):c.3763C>G (p.Pro1255Ala)

Gene: SOS1 (SOS Ras/Rac guanine nucleotide exchange factor 1; minus strand). Cytogenetic location: 2p22.1.
Variant type: single nucleotide variant.
Coding change: c.3763C>G on transcript NM_005633.4 (MANE Select); coding-DNA position 3763, C replaced by G.
Protein change: p.Pro1255Ala; replaces proline 1255 with alanine.
Molecular consequence: missense variant.
Genome position (GRCh38, 1-based): chr2:38,986,063, G>C on the plus strand (C>G on the coding strand, the complement: SOS1 is on the minus strand). VCF-style: chr2-38986063-G-C. GRCh37 (hg19) VCF-style: chr2-39213204-G-C.
Other names: c.3742C>G, p.Pro1248Ala (NM_001382394.1); c.3718C>G, p.Pro1240Ala (NM_001382395.1); short protein forms P1240A, P1255A, P1248A.
Identifiers: ClinVar variation 1734700 (VCV001734700.3), dbSNP rs972166211, ClinGen allele CA346362364.

ClinVar aggregate classification (germline): Uncertain significance. Review status: criteria provided, multiple submitters, no conflicts (2 of 4 stars). 2 submissions from 2 submitters: Uncertain significance (2). Last evaluated 2025-11-25.

Conditions:
Cardiovascular phenotype. Identifiers: MedGen CN230736.
RASopathy. Also called: rasopathies; Noonan spectrum disorder. Identifiers: Orphanet 536391, MedGen C5555857, MONDO:0021060.

Submissions (2):

Labcorp Genetics (formerly Invitae), Labcorp
Classification: Uncertain significance for RASopathy. Last evaluated: 2025-11-25. Review status: criteria provided, single submitter. Criteria: Invitae Variant Classification Sherloc (09022015). Collection method: clinical testing. Allele origin: germline.
Comment: This sequence change replaces proline, which is neutral and non-polar, with alanine, which is neutral and non-polar, at codon 1255 of the SOS1 protein (p.Pro1255Ala). This variant is not present in population databases (gnomAD no frequency). This variant has not been reported in the literature in individuals affected with SOS1-related conditions. ClinVar contains an entry for this variant (Variation ID: 1734700). Invitae Evidence Modeling of protein sequence and biophysical properties (such as structural, functional, and spatial information, amino acid conservation, physicochemical variation, residue mobility, and thermodynamic stability) indicates that this missense variant is not expected to disrupt SOS1 protein function with a negative predictive value of 95%. In summary, the available evidence is currently insufficient to determine the role of this variant in disease. Therefore, it has been classified as a Variant of Uncertain Significance.

Ambry Genetics
Classification: Uncertain significance for Cardiovascular phenotype. Last evaluated: 2019-12-05. Review status: criteria provided, single submitter. Criteria: Ambry Variant Classification Scheme 2023. Collection method: clinical testing. Allele origin: germline.
Comment: The p.P1255A variant (also known as c.3763C>G), located in coding exon 23 of the SOS1 gene, results from a C to G substitution at nucleotide position 3763. The proline at codon 1255 is replaced by alanine, an amino acid with highly similar properties. This amino acid position is well conserved in available vertebrate species. In addition, this alteration is predicted to be tolerated by in silico analysis. Since supporting evidence is limited at this time, the clinical significance of this alteration remains unclear.